The following is an entry in ClinVar:

NM_017662.5(TRPM6):c.4673-55_4734del

Gene: TRPM6 (transient receptor potential cation channel subfamily M member 6; minus strand). Cytogenetic location: 9q21.13.
Variant type: Deletion.
Coding change: c.4673-55_4734del on transcript NM_017662.5 (MANE Select); 55 bases into the intron before coding-DNA position 4673 through coding-DNA position 4734, 117 bases deleted.
Molecular consequence: splice acceptor variant.
Genome position (GRCh38, 1-based): chr9:74,761,747-74,761,863, 117 bases deleted. GRCh37 (hg19): chr9:77,376,663-77,376,779.
Other names: c.4658-55_4719del (NM_001177310.2, NM_001177311.2).
Identifiers: ClinVar variation 3657212 (VCV003657212.2).

ClinVar aggregate classification (germline): Likely pathogenic (1 of 4 stars; one submission).

Submission:

Labcorp Genetics (formerly Invitae), Labcorp
Classification: Likely pathogenic. Last evaluated: 2024-09-23. Review status: criteria provided, single submitter. Criteria: Invitae Variant Classification Sherloc (09022015). Collection method: clinical testing. Allele origin: germline.
Comment: This variant results in the deletion of part of exon 27 (c.4673-55_4734del ) of the TRPM6 gene. It is expected to disrupt RNA splicing. Variants that disrupt the donor or acceptor splice site typically lead to a loss of protein function (PMID: 16199547), and loss-of-function variants in TRPM6 are known to be pathogenic (PMID: 16107578). This variant is not present in population databases (gnomAD no frequency). This variant has not been reported in the literature in individuals affected with TRPM6-related conditions. In summary, the currently available evidence indicates that the variant is pathogenic, but additional data are needed to prove that conclusively. Therefore, this variant has been classified as Likely Pathogenic.

Literature cited by the submitters: PubMed 16199547; PubMed 16107578.